The following is an entry in ClinVar:

ClinVar aggregate classification (germline): Pathogenic. Review status: criteria provided, multiple submitters, no conflicts (2 of 4 stars). 2 submissions from 2 submitters: Pathogenic (2). Last evaluated 2024-08-07.

Conditions:
Inborn genetic diseases. Identifiers: MedGen C0950123, MeSH D030342.

Submissions (2):

Ambry Genetics
Classification: Pathogenic for Inborn genetic diseases. Last evaluated: 2024-08-07. Review status: criteria provided, single submitter. Criteria: Ambry Variant Classification Scheme 2023. Collection method: clinical testing. Allele origin: germline.
Comment: The c.3382dupT (p.S1128Ffs*3) alteration, located in exon 5 (coding exon 4) of the NSD1 gene, consists of a duplication of T at position 3382, causing a translational frameshift with a predicted alternate stop codon after 3 amino acids. This alteration is expected to result in loss of function by premature protein truncation or nonsense-mediated mRNA decay. This variant was not reported in population-based cohorts in the Genome Aggregation Database (gnomAD). Based on the available evidence, this alteration is classified as pathogenic.

Eurofins Ntd Llc (ga)
Classification: Pathogenic. Last evaluated: 2016-05-31. Review status: criteria provided, single submitter. Criteria: EGL Classification Definitions. Collection method: clinical testing. Allele origin: germline. Observed: 1 variant allele, 1 heterozygote.

NM_022455.5(NSD1):c.3382dup (p.Ser1128fs)

Gene: NSD1 (nuclear receptor binding SET domain protein 1; plus strand). Cytogenetic location: 5q35.3.
Variant type: Duplication.
Coding change: c.3382dup on transcript NM_022455.5 (MANE Select); coding-DNA position 3382, one base duplicated (T; older notation c.3382dupT).
Protein change: p.Ser1128fs; shifts the reading frame from serine 1128.
Molecular consequence: frameshift variant.
Genome position (GRCh38, 1-based): chr5:177,211,781, T duplicated. VCF-style (leftmost placement, unchanged base first): chr5-177211780-C-CT. GRCh37 (hg19) VCF-style: chr5-176638781-C-CT.
Other names: c.2509dup, p.Ser837Phefs (NM_001365684.2, NM_001409306.1, NM_001409307.1 and 3 more transcripts); c.3382dup, p.Ser1128Phefs (NM_001409301.1, NM_001409302.1, NM_001409303.1); c.2962dup, p.Ser988Phefs (NM_001409304.1); c.2629dup, p.Ser877Phefs (NM_001409305.1); c.3382dupT (NM_022455.4); short protein forms S1128fs, S859fs.
Identifiers: ClinVar variation 288002 (VCV000288002.7), dbSNP rs886043780, ClinGen allele CA10605938.